The following is an entry in ClinVar:

NM_001204.7(BMPR2):c.1721G>A (p.Ser574Asn)

Gene: BMPR2 (bone morphogenetic protein receptor type 2; plus strand). Cytogenetic location: 2q33.2.
Variant type: single nucleotide variant.
Coding change: c.1721G>A on transcript NM_001204.7 (MANE Select); coding-DNA position 1721, G replaced by A.
Protein change: p.Ser574Asn; replaces serine 574 with asparagine.
Molecular consequence: missense variant.
Genome position (GRCh38, 1-based): chr2:202,555,386, G>A. VCF-style: chr2-202555386-G-A. GRCh37 (hg19) VCF-style: chr2-203420109-G-A.
Other names: short protein forms S574N.
Identifiers: ClinVar variation 3992237 (VCV003992237.2).
Genomic context (GRCh38, chr2:202,555,386, plus strand): 5'-ACTCTATCCATCATACTGACAGCATCGTGAAGAATATTTCCTCTGAGCATTCTATGTCCA[G>A]CACACCTTTGACTATAGGGGAAAAAAACCGAAATTCAATTAACTATGAACGACAGCAAGC-3'
Protein context (NP_001195.2, residues 564-584): KNISSEHSMS[Ser574Asn]TPLTIGEKNR

ClinVar aggregate classification (germline): Uncertain significance (1 of 4 stars; one submission).

Conditions:
Inborn genetic diseases. Identifiers: MedGen C0950123, MeSH D030342.

gnomAD v4.1: 2 of 1,613,974 alleles (0.00012%); highest among the groups gnomAD compares: Admixed American, 0.0017%; no homozygotes.

Submission:

Ambry Genetics
Classification: Uncertain significance for Inborn genetic diseases. Last evaluated: 2025-10-28. Review status: criteria provided, single submitter. Criteria: Ambry Variant Classification Scheme 2023. Collection method: clinical testing. Allele origin: germline.
Comment: The p.S574N variant (also known as c.1721G>A), located in coding exon 12 of the BMPR2 gene, results from a G to A substitution at nucleotide position 1721. The serine at codon 574 is replaced by asparagine, an amino acid with highly similar properties. This amino acid position is conserved. In addition, this alteration is predicted to be tolerated by in silico analysis. Based on the available evidence, the clinical significance of this variant remains unclear.